The following is an entry in ClinVar:

ClinVar aggregate classification (germline): Benign/Likely benign. Review status: criteria provided, multiple submitters, no conflicts (2 of 4 stars). 4 submissions from 4 submitters: Benign (2); Likely benign (1). 1 of the submissions does not count toward it. Last evaluated 2026-02-03.

Conditions:
PACS2-related disorder. Also called: PACS2-related condition.
Developmental and epileptic encephalopathy, 66. Also called: EPILEPTIC ENCEPHALOPATHY, EARLY INFANTILE, 66. Identifiers: MedGen C4748070, MONDO:0054845, OMIM 618067.

Allele frequency attached by ClinVar (database versions not stated): gnomAD exomes 0.00125 and 0.00329; ExAC 0.00399; 1000 Genomes Project 0.01118; 1000 Genomes Project 30x 0.01218; gnomAD 0.01342 and 0.01450; TOPMed 0.01459; ESP Exome Variant Server 0.01545.
gnomAD v4.1: 3,920 of 1,613,686 alleles (0.24%); highest among the groups gnomAD compares: African/African-American, 4.6%; 84 homozygotes.

Submissions (4):

Labcorp Genetics (formerly Invitae), Labcorp
Classification: Benign. Last evaluated: 2026-02-03. Review status: criteria provided, single submitter. Criteria: Invitae Variant Classification Sherloc (09022015). Collection method: clinical testing. Allele origin: germline.

Fulgent Genetics
Classification: Likely benign for Developmental and epileptic encephalopathy, 66. Last evaluated: 2021-08-06. Review status: criteria provided, single submitter. Criteria: ACMG Guidelines, 2015. Collection method: clinical testing. Allele origin: unknown.

Breakthrough Genomics
Classification: Benign. Review status: criteria provided, single submitter. Criteria: ACMG Guidelines, 2015. Collection method: not provided. Allele origin: germline. Inheritance: Autosomal dominant inheritance. Affected: yes.

PreventionGenetics, part of Exact Sciences
Classification: Benign for PACS2-related condition. Last evaluated: 2019-09-24. Review status: no assertion criteria provided. Collection method: clinical testing. Allele origin: germline. Not counted in ClinVar's aggregate classification.
Comment: This variant is classified as benign based on ACMG/AMP sequence variant interpretation guidelines (Richards et al. 2015 PMID: 25741868, with internal and published modifications).

NM_001100913.3(PACS2):c.366G>A (p.Lys122=)

Gene: PACS2 (phosphofurin acidic cluster sorting protein 2; plus strand). Cytogenetic location: 14q32.33.
Variant type: single nucleotide variant.
Coding change: c.366G>A on transcript NM_001100913.3 (MANE Select); coding-DNA position 366, G replaced by A.
Protein change: p.Lys122=; no amino-acid change (lysine 122 retained).
Molecular consequence: synonymous variant.
Genome position (GRCh38, 1-based): chr14:105,355,120, G>A. VCF-style: chr14-105355120-G-A. GRCh37 (hg19) VCF-style: chr14-105821457-G-A.
Other names: c.165G>A, p.Lys55= (NM_001243127.3); c.366G>A, p.Lys122= (NM_015197.4).
Identifiers: ClinVar variation 783699 (VCV000783699.15), dbSNP rs61738367, ClinGen allele CA7388349.